The following is an entry in ClinVar:

NM_000368.5(TSC1):c.3151_3157dup (p.His1053fs)

Gene: TSC1 (TSC complex subunit 1; minus strand). Cytogenetic location: 9q34.13.
Variant type: Duplication.
Coding change: c.3151_3157dup on transcript NM_000368.5 (MANE Select); coding-DNA positions 3151 to 3157, 7 bases duplicated (CCCCCAC; older notation c.3151_3157dupCCCCCAC).
Protein change: p.His1053fs; shifts the reading frame from histidine 1053.
Molecular consequence: frameshift variant. On other transcripts: non-coding transcript variant (5).
Genome position (GRCh38, 1-based): chr9:132,896,573-132,896,579, GTGGGGG duplicated on the plus strand (CCCCCAC on the coding strand, the reverse complement: TSC1 is on the minus strand). VCF-style (leftmost placement, unchanged base first): chr9-132896572-T-TGTGGGGG. GRCh37 (hg19) VCF-style: chr9-135771959-T-TGTGGGGG.
Other names: c.2785_2791dup, p.His931fs (NM_001406621.1, NM_001406622.1, NM_001406623.1 and 1 more transcripts); c.2746_2752dup, p.His918fs (NM_001406624.1); c.2743_2749dup, p.His917fs (NM_001406625.1); c.2200_2206dup, p.His736fs (NM_001406626.1); c.2197_2203dup, p.His735fs (NM_001406627.1, NM_001406628.1); c.2098_2104dup, p.His702fs (NM_001406629.1, NM_001406630.1); c.2995_3001dup, p.His1001fs (NM_001406612.1, NM_001406611.1); c.2953_2959dup, p.His987fs (NM_001406613.1); and 8 more; short protein forms H1001fs, H1002fs, H1038fs, H1039fs, H1047fs, H1048fs, H1052fs, H1053fs.
Identifiers: ClinVar variation 3614728 (VCV003614728.2).

ClinVar aggregate classification (germline): Uncertain significance (1 of 4 stars; one submission).

Conditions:
Tuberous sclerosis 1 (TSC1). Identifiers: Orphanet 805, MedGen C1854465, MONDO:0008612, OMIM 191100.

Submission:

Labcorp Genetics (formerly Invitae), Labcorp
Classification: Uncertain significance for Tuberous sclerosis 1. Last evaluated: 2024-04-27. Review status: criteria provided, single submitter. Criteria: Invitae Variant Classification Sherloc (09022015). Collection method: clinical testing. Allele origin: germline.
Comment: This sequence change creates a premature translational stop signal (p.His1053Profs*48) in the TSC1 gene. While this is not anticipated to result in nonsense mediated decay, it is expected to disrupt the last 112 amino acid(s) of the TSC1 protein. This variant is not present in population databases (gnomAD no frequency). This variant has not been reported in the literature in individuals affected with TSC1-related conditions. Experimental studies and prediction algorithms are not available or were not evaluated, and the functional significance of this variant is currently unknown. In summary, the available evidence is currently insufficient to determine the role of this variant in disease. Therefore, it has been classified as a Variant of Uncertain Significance.